The following is an entry in ClinVar:

NM_000051.4(ATM):c.4777-4_4777-3del

Gene: ATM (ATM serine/threonine kinase; plus strand). Cytogenetic location: 11q22.3.
Variant type: Deletion.
Coding change: c.4777-4_4777-3del on transcript NM_000051.4 (MANE Select); 4 bases into the intron before coding-DNA position 4777 through 3 bases into the intron before coding-DNA position 4777, 2 bases deleted (TT; older notation c.4777-4_4777-3delTT).
Molecular consequence: intron variant.
Genome position (GRCh38, 1-based): chr11:108,294,923-108,294,924, TT deleted; deleting any 2 consecutive bases within chr11:108,294,921-108,294,924 gives the same sequence; the c. name uses the placement nearest the transcript's 3' end. VCF-style (leftmost placement, unchanged base first): chr11-108294920-CTT-C. GRCh37 (hg19) VCF-style: chr11-108165647-CTT-C.
Other names: c.4777-4_4777-3del (NM_001351834.2); c.4777-4_4777-3delTT (NM_000051.3).
Identifiers: ClinVar variation 836257 (VCV000836257.12), dbSNP rs2083032760, ClinGen allele CA916080478.

ClinVar aggregate classification (germline): Uncertain significance. Review status: criteria provided, multiple submitters, no conflicts (2 of 4 stars). 3 submissions from 3 submitters: Uncertain significance (3). Last evaluated 2026-01-28.

Conditions:
Hereditary cancer-predisposing syndrome. Also called: Hereditary Cancer Syndrome; Tumor predisposition; Neoplastic Syndromes, Hereditary; Hereditary neoplastic syndrome. Identifiers: Orphanet 140162, MedGen C0027672, MeSH D009386, MONDO:0015356.
Ataxia-telangiectasia syndrome (AT). Also called: LOUIS-BAR SYNDROME; Ataxia telangiectasia (A-T); AT, COMPLEMENTATION GROUP C; Ataxia-telangiectasia, complementation group E; Cerebello-oculocutaneous telangiectasia; Immunodeficiency with ataxia telangiectasia. Identifiers: Orphanet 100, MedGen C0004135, MONDO:0008840, OMIM 208900.

Submissions (3):

Ambry Genetics
Classification: Uncertain significance for Hereditary cancer-predisposing syndrome. Last evaluated: 2026-01-28. Review status: criteria provided, single submitter. Criteria: Ambry Variant Classification Scheme 2023. Collection method: clinical testing. Allele origin: germline.
Comment: The c.4777-4_4777-3delTT intronic variant, located in intron 30 of the ATM gene, results from a deletion of two nucleotides within intron 30 of the ATM gene. This nucleotide position is well conserved in available vertebrate species. In silico splice site analysis predicts that this alteration will weaken the native splice acceptor site. RNA studies have demonstrated that this variant results in a splice defect; the clinical impact of this abnormal splicing is unknown at this time (Ambry internal data). Based on the available evidence, the clinical significance of this variant remains unclear.

Sema4
Classification: Uncertain significance for Hereditary cancer-predisposing syndrome. Last evaluated: 2022-02-23. Review status: criteria provided, single submitter. Criteria: Sema4 Curation Guidelines. Collection method: curation. Allele origin: germline.
Comment: The ATM c.4777-4_4777-3delTT variant has not been reported in the literature to our knowledge. This variant is not reported in the population database Genome Aggregation Database (PMID: 32461654). The variant has been reported in ClinVar (Variation ID 836257). In silico tools suggest the variant may have an impact on splicing, though these predictions have not been confirmed by functional studies. The evidence is insufficient to meet ACMG/AMP criteria for classifying the variant as benign or pathogenic. Thus, the clinical significance of this variant is currently uncertain.

Labcorp Genetics (formerly Invitae), Labcorp
Classification: Uncertain significance for Ataxia-telangiectasia syndrome. Last evaluated: 2019-04-15. Review status: criteria provided, single submitter. Criteria: Invitae Variant Classification Sherloc (09022015). Collection method: clinical testing. Allele origin: germline.
Comment: This variant is not present in population databases (ExAC no frequency). This variant has not been reported in the literature in individuals with ATM-related conditions. Algorithms developed to predict the effect of sequence changes on RNA splicing suggest that this variant may disrupt the consensus splice site, but this prediction has not been confirmed by published transcriptional studies. In summary, the available evidence is currently insufficient to determine the role of this variant in disease. Therefore, it has been classified as a Variant of Uncertain Significance. This sequence change falls in intron 31 of the ATM gene. It does not directly change the encoded amino acid sequence of the ATM protein.